The following is an entry in ClinVar:

NM_001164508.2(NEB):c.10925T>C (p.Ile3642Thr)

Gene: NEB (nebulin; minus strand). Cytogenetic location: 2q23.3.
Variant type: single nucleotide variant.
Coding change: c.10925T>C on transcript NM_001164508.2 (MANE Select); coding-DNA position 10925, T replaced by C.
Protein change: p.Ile3642Thr; replaces isoleucine 3642 with threonine.
Molecular consequence: missense variant.
Genome position (GRCh38, 1-based): chr2:151,618,426, A>G on the plus strand (T>C on the coding strand, the complement: NEB is on the minus strand). VCF-style: chr2-151618426-A-G. GRCh37 (hg19) VCF-style: chr2-152474940-A-G.
Other names: c.10925T>C, p.Ile3642Thr (NM_001164507.2, NM_001271208.2); c.10196T>C, p.Ile3399Thr (NM_004543.5); c.10196T>C (NM_004543.4); short protein forms I3399T, I3642T.
Identifiers: ClinVar variation 966287 (VCV000966287.16), dbSNP rs201614105, ClinGen allele CA1908913.

ClinVar aggregate classification (germline): Conflicting classifications of pathogenicity. Review status: criteria provided, conflicting classifications (1 of 4 stars). 6 submissions from 6 submitters: Uncertain significance (4); Likely benign (1). 1 of the submissions does not count toward it. Last evaluated 2024-02-13.

Conditions:
Inborn genetic diseases. Identifiers: MedGen C0950123, MeSH D030342.
Nemaline myopathy 2 (NEM2). Also called: Nemaline myopathy 2, autosomal recessive. Identifiers: MedGen C1850569, MONDO:0009725, OMIM 256030.

Allele frequency attached by ClinVar (database versions not stated): gnomAD exomes 0.00003 and 0.00006; ExAC 0.00003; 1000 Genomes Project 0.00020; 1000 Genomes Project 30x 0.00016.
gnomAD v4.1: 87 of 1,613,930 alleles (0.0054%); highest among the groups gnomAD compares: Middle Eastern, 0.082%; no homozygotes.

Submissions (6):

Labcorp Genetics (formerly Invitae), Labcorp
Classification: Likely benign for Nemaline myopathy 2. Last evaluated: 2024-02-13. Review status: criteria provided, single submitter. Criteria: Invitae Variant Classification Sherloc (09022015). Collection method: clinical testing. Allele origin: germline.

Revvity Omics, Revvity
Classification: Uncertain significance. Last evaluated: 2024-01-03. Review status: criteria provided, single submitter. Criteria: ACMG Guidelines, 2015. Collection method: clinical testing. Allele origin: germline.

Blueprint Genetics
Classification: Uncertain significance. Last evaluated: 2023-11-08. Review status: criteria provided, single submitter. Criteria: ACMG Guidelines, 2015. Collection method: clinical testing. Allele origin: germline.

GeneDx
Classification: Uncertain significance. Last evaluated: 2022-01-15. Review status: criteria provided, single submitter. Criteria: GeneDx Variant Classification Process June 2021. Collection method: clinical testing. Allele origin: germline. Affected: yes.
Comment: In silico analysis supports that this missense variant does not alter protein structure/function; Has not been previously published as pathogenic or benign to our knowledge

Ambry Genetics
Classification: Uncertain significance for Inborn genetic diseases. Last evaluated: 2021-11-12. Review status: criteria provided, single submitter. Criteria: Ambry Variant Classification Scheme 2023. Collection method: clinical testing. Allele origin: germline.

Natera, Inc.
Classification: Uncertain significance for Nemaline myopathy type 2. Last evaluated: 2020-11-30. Review status: no assertion criteria provided. Collection method: clinical testing. Allele origin: germline. Not counted in ClinVar's aggregate classification.